The following is an entry in ClinVar:

NM_005422.4(TECTA):c.6061C>T (p.Arg2021Cys)

Genes: TBCEL-TECTA (TBCEL-TECTA readthrough; plus strand), TECTA (tectorin alpha; plus strand). Cytogenetic location: 11q23.3.
Variant type: single nucleotide variant.
Coding change: c.6061C>T on transcript NM_005422.4 (MANE Select); coding-DNA position 6061, C replaced by T.
Protein change: p.Arg2021Cys; replaces arginine 2021 with cysteine.
Molecular consequence: missense variant.
Genome position (GRCh38, 1-based): chr11:121,187,893, C>T. VCF-style: chr11-121187893-C-T. GRCh37 (hg19) VCF-style: chr11-121058602-C-T.
Other names: c.7003C>T, p.Arg2335Cys (NM_001378761.1); short protein forms R2021C, R2335C.
Identifiers: ClinVar variation 930525 (VCV000930525.14), dbSNP rs1455568421, ClinGen allele CA383009656.

ClinVar aggregate classification (germline): Pathogenic/Likely pathogenic. Review status: criteria provided, multiple submitters, no conflicts (2 of 4 stars). 6 submissions from 6 submitters: Pathogenic (2); Likely pathogenic (4). Last evaluated 2026-03-12.

Conditions:
Autosomal dominant nonsyndromic hearing loss 12. Also called: DEAFNESS, AUTOSOMAL DOMINANT 8. Identifiers: Orphanet 90635, MedGen C1832187, MONDO:0011102, OMIM 601543.
TECTA-related disorder. Also called: TECTA-related condition.

Allele frequency attached by ClinVar (database versions not stated): gnomAD exomes below 0.00001; TOPMed below 0.00001; gnomAD 0.00001.
gnomAD v4.1: 5 of 1,614,128 alleles (0.00031%); highest among the groups gnomAD compares: South Asian, 0.0011%; no homozygotes.

Submissions (6):

GeneDx
Classification: Likely pathogenic. Last evaluated: 2026-03-12. Review status: criteria provided, single submitter. Criteria: GeneDx Variant Classification Process June 2021. Collection method: clinical testing. Allele origin: germline.
Comment: Not observed at significant frequency in large population cohorts (gnomAD); In silico analysis supports that this missense variant has a deleterious effect on protein structure/function; This variant is associated with the following publications: (PMID: 29293505, 21520338, 31554319, 9590290, 16718611, 34599366)

Victorian Clinical Genetics Services, Murdoch Childrens Research Institute
Classification: Pathogenic for Autosomal dominant nonsyndromic hearing loss 12. Last evaluated: 2025-04-22. Review status: criteria provided, single submitter. Criteria: ACMG Guidelines, 2015. Collection method: clinical testing. Allele origin: germline. Affected: yes.
Comment: This variant is classified as Pathogenic. Evidence in support of pathogenic classification: Variant is present in gnomAD <0.01 (v4: 5 heterozygote(s), 0 homozygote(s)); This variant has strong previous evidence of pathogenicity in unrelated individuals. This variant has been classified as likely pathogenic by multiple clinical laboratories in Clinvar. It has also been reported in the literature in a family with moderate sensorineural hearing loss (PMID: 29293505); Another missense variant(s) comparable to the one identified in this case has moderate previous evidence for pathogenicity. p.(Arg2021His) has been classified as pathogenic and likely pathogenic by clinical laboratories in Clinvar. It has also been reported in the literature in individuals with autosomal dominant hearing loss (PMIDs: 34325055, 12162770). - Missense variant predicted to be damaging by in silico tool(s) or highly conserved with a major amino acid change. Additional information: Variant is predicted to result in a missense amino acid change from arginine to cysteine; This variant is heterozygous; This gene is associated with both recessive and dominant disease. Generally, biallelic loss of function variants cause recessive deafness, while missense variants cause dominant deafness (PMID: 9949200, 20947814, 28946916) - Alternative amino acid change(s) at the same position are present in gnomAD (Highest allele count: v4: 8 heterozygote(s), #0 homozygote(s)); No published functional evidence has been identified for this variant; Variant is located in the annotated zona pellucida domain (DECIPHER); Loss of function is a known mechanism of disease in this gene and is associated with autosomal recessive deafness 21 (MIM#603629). The mechanism for autosomal dominant deafness 8/12 (MIM#601543) is unknown; however, dominant negative has been suggested (OMIM, PMID: 31554319); Inheritance information for this variant is not currently available in this individual.

Labcorp Genetics (formerly Invitae), Labcorp
Classification: Likely pathogenic. Last evaluated: 2024-10-14. Review status: criteria provided, single submitter. Criteria: Invitae Variant Classification Sherloc (09022015). Collection method: clinical testing. Allele origin: germline.
Comment: This sequence change replaces arginine, which is basic and polar, with cysteine, which is neutral and slightly polar, at codon 2021 of the TECTA protein (p.Arg2021Cys). This variant is present in population databases (no rsID available, gnomAD 0.007%). This missense change has been observed in individuals with deafness (PMID: 29293505; internal data). ClinVar contains an entry for this variant (Variation ID: 930525). Invitae Evidence Modeling of protein sequence and biophysical properties (such as structural, functional, and spatial information, amino acid conservation, physicochemical variation, residue mobility, and thermodynamic stability) indicates that this missense variant is expected to disrupt TECTA protein function with a positive predictive value of 80%. This variant disrupts the p.Arg2021 amino acid residue in TECTA. Other variant(s) that disrupt this residue have been determined to be pathogenic (PMID: 12162770; internal data). This suggests that this residue is clinically significant, and that variants that disrupt this residue are likely to be disease-causing. In summary, the currently available evidence indicates that the variant is pathogenic, but additional data are needed to prove that conclusively. Therefore, this variant has been classified as Likely Pathogenic.

Clinical Genetics and Genomics, Karolinska University Hospital
Classification: Likely pathogenic for Autosomal dominant nonsyndromic hearing loss 12. Last evaluated: 2024-08-22. Review status: criteria provided, single submitter. Criteria: ACMG Guidelines, 2015. Collection method: clinical testing. Allele origin: germline. Inheritance: Autosomal dominant inheritance. Affected: yes.

Blueprint Genetics
Classification: Pathogenic for TECTA-related disorders. Last evaluated: 2024-06-17. Review status: criteria provided, single submitter. Criteria: ACMG Guidelines, 2015. Collection method: clinical testing. Allele origin: germline. Affected: yes. Observed: 5 variant alleles.

Centre for Mendelian Genomics, University Medical Centre Ljubljana
Classification: Likely pathogenic for Autosomal dominant nonsyndromic hearing loss 12. Last evaluated: 2016-01-01. Review status: criteria provided, single submitter. Criteria: ACMG Guidelines, 2015. Collection method: clinical testing. Allele origin: unknown. Affected: yes.
Comment: This variant was classified as: Likely pathogenic.

Literature cited by the submitters: PubMed 20947814 (cited by Victorian Clinical Genetics Services, Murdoch Childrens Research Institute); PubMed 29293505 (cited by Victorian Clinical Genetics Services, Murdoch Childrens Research Institute and Labcorp Genetics (formerly Invitae), Labcorp); PubMed 12162770 (cited by Victorian Clinical Genetics Services, Murdoch Childrens Research Institute and Labcorp Genetics (formerly Invitae), Labcorp); PubMed 31554319 (cited by Victorian Clinical Genetics Services, Murdoch Childrens Research Institute); PubMed 28946916 (cited by Victorian Clinical Genetics Services, Murdoch Childrens Research Institute); PubMed 34325055 (cited by Victorian Clinical Genetics Services, Murdoch Childrens Research Institute); PubMed 9949200 (cited by Victorian Clinical Genetics Services, Murdoch Childrens Research Institute).